The following is an entry in ClinVar:

ClinVar aggregate classification (germline): Uncertain significance (0 of 4 stars; one submission).

Conditions:
ICE2-related disorder. Also called: ICE2-related condition.

Submission:

PreventionGenetics, part of Exact Sciences
Classification: Uncertain significance for ICE2-related condition. Last evaluated: 2024-05-31. Review status: no assertion criteria provided. Collection method: clinical testing. Allele origin: germline.
Comment: The ICE2 c.2240C>T variant is predicted to result in the amino acid substitution p.Thr747Ile. To our knowledge, this variant has not been reported in the literature or in a large population database, indicating this variant is rare. At this time, the clinical significance of this variant is uncertain due to the absence of conclusive functional and genetic evidence.

NM_024611.6(ICE2):c.2651C>T (p.Thr884Ile)

Gene: ICE2 (interactor of little elongation complex ELL subunit 2; minus strand). Cytogenetic location: 15q22.2.
Variant type: single nucleotide variant.
Coding change: c.2651C>T on transcript NM_024611.6 (MANE Select); coding-DNA position 2651, C replaced by T.
Protein change: p.Thr884Ile; replaces threonine 884 with isoleucine.
Molecular consequence: missense variant. On other transcripts: non-coding transcript variant (1).
Genome position (GRCh38, 1-based): chr15:60,428,598, G>A on the plus strand (C>T on the coding strand, the complement: ICE2 is on the minus strand). VCF-style: chr15-60428598-G-A. GRCh37 (hg19) VCF-style: chr15-60720797-G-A.
Other names: c.2240C>T, p.Thr747Ile (NM_001018089.3); short protein forms T747I, T884I.
Identifiers: ClinVar variation 3347835 (VCV003347835.1).